The following is an entry in ClinVar:

ClinVar aggregate classification (germline): Uncertain significance. Review status: criteria provided, multiple submitters, no conflicts (2 of 4 stars). 3 submissions from 3 submitters: Uncertain significance (3). Last evaluated 2021-12-27.

Conditions:
Hereditary cancer-predisposing syndrome. Also called: Neoplastic Syndromes, Hereditary; Hereditary Cancer Syndrome; Tumor predisposition; Hereditary neoplastic syndrome. Identifiers: Orphanet 140162, MedGen C0027672, MeSH D009386, MONDO:0015356.
Familial adenomatous polyposis 2. Also called: FAP type 2; COLORECTAL ADENOMATOUS POLYPOSIS, AUTOSOMAL RECESSIVE; MYH-associated polyposis; MUTYH-associated polyposis; Adenomas, multiple colorectal; ADENOMAS, MULTIPLE COLORECTAL, AUTOSOMAL RECESSIVE. Identifiers: Orphanet 220460, Orphanet 247798, MedGen C3272841, MONDO:0012041, OMIM 608456.

Submissions (3):

Labcorp Genetics (formerly Invitae), Labcorp
Classification: Uncertain significance for Familial adenomatous polyposis 2. Last evaluated: 2021-12-27. Review status: criteria provided, single submitter. Criteria: Invitae Variant Classification Sherloc (09022015). Collection method: clinical testing. Allele origin: germline.
Comment: This variant has not been reported in the literature in individuals affected with MUTYH-related conditions. ClinVar contains an entry for this variant (Variation ID: 420894). Experimental studies and prediction algorithms are not available or were not evaluated, and the functional significance of this variant is currently unknown. This sequence change replaces leucine, which is neutral and non-polar, with isoleucine, which is neutral and non-polar, at codon 4 of the MUTYH protein (p.Leu4Ile). Information on the frequency of this variant in the gnomAD database is not available, as this variant may be reported differently in the database. In summary, the available evidence is currently insufficient to determine the role of this variant in disease. Therefore, it has been classified as a Variant of Uncertain Significance.

Ambry Genetics
Classification: Uncertain significance for Hereditary cancer-predisposing syndrome. Last evaluated: 2020-11-24. Review status: criteria provided, single submitter. Criteria: Ambry Variant Classification Scheme 2023. Collection method: clinical testing. Allele origin: germline.
Comment: The c.9_10delGCinsAA variant, located in coding exon 1 of the MUTYH gene, results from an in-frame deletion of GC and insertion of AA at nucleotide positions 9 to 10. This results in the substitution of the leucine residue for an isoleucine residue at codon 4, an amino acid with highly similar properties. This amino acid position is poorly conserved in available vertebrate species. In addition, this alteration is predicted to be neutral by in silico analysis (Choi Y et al. PLoS ONE. 2012; 7(10):e46688). Since supporting evidence is limited at this time, the clinical significance of this alteration remains unclear.

GeneDx
Classification: Uncertain significance. Last evaluated: 2016-04-06. Review status: criteria provided, single submitter. Criteria: GeneDx Variant Classification (06012015). Collection method: clinical testing. Allele origin: germline. Affected: yes.
Comment: This variant is denoted MUTYH c.9_10delGCinsAA at the cDNA level and p.Leu4Ile (L4I) at the protein level. The normal sequence, with the bases that are deleted in braces and inserted in brackets, is CACC[GC][AA]TCGT. This in frame deletion and insertion occurs on the same allele (in cis) and results in the missense change of a Leucine to an Isoleucine (CTC>ATC). This variant has not, to our knowledge, been published in the literature as pathogenic or benign. MUTYH Leu4Ile was not observed in approximately 6,500 individuals of European and African American ancestry in the NHLBI Exome Sequencing Project, indicating it is not a common benign variant in these populations. Since Leucine and Isoleucine share similar properties, this is considered a conservative amino acid substitution. MUTYH Leu4Ile occurs at a position that is not conserved and is located in the MLS domain (Ruggieri 2013). In silico analyses predict that this variant is unlikely to alter protein structure or function. Based on currently available information, we consider MUTYH Leu4Ile to be a variant of uncertain significance.

NM_001128425.2(MUTYH):c.9_10delinsAA (p.Leu4Ile)

Genes: MUTYH (mutY DNA glycosylase; minus strand), TOE1 (target of EGR1, exonuclease; plus strand). Cytogenetic location: 1p34.1.
Variant type: Indel.
Coding change: c.9_10delinsAA on transcript NM_001128425.2 (MANE Plus Clinical); coding-DNA positions 9 to 10, GC replaced by AA.
Protein change: p.Leu4Ile; replaces leucine 4 with isoleucine.
Molecular consequence: missense variant. On other transcripts: 5 prime UTR variant (8), non-coding transcript variant (3).
Genome position (GRCh38, 1-based): chr1:45,340,245-45,340,246, GC replaced by TT on the plus strand (GC replaced by AA on the coding strand, the reverse complement: MUTYH is on the minus strand). VCF-style: chr1-45340245-GC-TT. GRCh37 (hg19) VCF-style: chr1-45805917-GC-TT.
Other names: c.-8_-7delinsTT (NM_025077.4); c.-34_-33delinsAA (NM_001048171.2); c.9_10delinsAA, p.Leu4Ile (NM_001293190.2, NM_001407069.1, NM_001407073.1 and 1 more transcripts); c.-246_-245delinsAA (NM_001293192.2); c.-305_-304delinsAA (NM_001350650.2); c.-241_-240delinsAA (NM_001350651.2); c.-50_-49delinsAA (NM_001407070.1, NM_001407071.1); c.-30_-29delinsAA (NM_001407072.1); short protein forms L4I.
Identifiers: ClinVar variation 420894 (VCV000420894.10), dbSNP rs1064794772, ClinGen allele CA16617171.